The following is an entry in ClinVar:

NM_001365276.2(TNXB):c.5546A>G (p.His1849Arg)

Gene: TNXB (tenascin XB; minus strand). Cytogenetic location: 6p21.33.
Variant type: single nucleotide variant.
Coding change: c.5546A>G on transcript NM_001365276.2 (MANE Select); coding-DNA position 5546, A replaced by G.
Protein change: p.His1849Arg; replaces histidine 1849 with arginine.
Molecular consequence: missense variant.
Genome position (GRCh38, 1-based): chr6:32,069,594, T>C on the plus strand (A>G on the coding strand, the complement: TNXB is on the minus strand). VCF-style: chr6-32069594-T-C. GRCh37 (hg19) VCF-style: chr6-32037371-T-C.
Other names: c.5546A>G, p.His1849Arg (NM_019105.8); short protein forms H1849R.
Identifiers: ClinVar variation 1748216 (VCV001748216.2), dbSNP rs767552003, ClinGen allele CA3734683.

ClinVar aggregate classification (germline): Uncertain significance (1 of 4 stars; one submission).

Conditions:
Cardiovascular phenotype. Identifiers: MedGen CN230736.

Allele frequency attached by ClinVar (database versions not stated): gnomAD exomes below 0.00001; ExAC 0.00002.
gnomAD v4.1: 8 of 1,595,138 alleles (0.0005%); highest among the groups gnomAD compares: South Asian, 0.0067%; no homozygotes.

Submission:

Ambry Genetics
Classification: Uncertain significance for Cardiovascular phenotype. Last evaluated: 2022-03-09. Review status: criteria provided, single submitter. Criteria: Ambry Variant Classification Scheme 2023. Collection method: clinical testing. Allele origin: germline.
Comment: The p.H1849R variant (also known as c.5546A>G), located in coding exon 14 of the TNXB gene, results from an A to G substitution at nucleotide position 5546. The histidine at codon 1849 is replaced by arginine, an amino acid with highly similar properties. This amino acid position is conserved. In addition, this alteration is predicted to be tolerated by in silico analysis. Since supporting evidence is limited at this time, the clinical significance of this alteration remains unclear.